The following is an entry in ClinVar:

ClinVar aggregate classification (germline): Likely pathogenic (1 of 4 stars; one submission).

Conditions:
Glycine encephalopathy. Also called: Nonketotic hyperglycinemia; Non-ketotic hyperglycinemia. Identifiers: Orphanet 407, MedGen C0751748, MONDO:0011612, HP:0008288.

Submission:

Labcorp Genetics (formerly Invitae), Labcorp
Classification: Likely pathogenic for Glycine encephalopathy. Last evaluated: 2020-07-30. Review status: criteria provided, single submitter. Criteria: Invitae Variant Classification Sherloc (09022015). Collection method: clinical testing. Allele origin: germline.
Comment: This sequence change replaces asparagine with isoleucine at codon 616 of the GLDC protein (p.Asn616Ile). The asparagine residue is highly conserved and there is a large physicochemical difference between asparagine and isoleucine. In summary, the currently available evidence indicates that the variant is pathogenic, but additional data are needed to prove that conclusively. Therefore, this variant has been classified as Likely Pathogenic. This variant disrupts the p.Asn616 amino acid residue in GLDC. Other variant(s) that disrupt this residue have been determined to be pathogenic (PMID: 27362913). This suggests that this residue is clinically significant, and that variants that disrupt this residue are likely to be disease-causing. Advanced modeling of protein sequence and biophysical properties (such as structural, functional, and spatial information, amino acid conservation, physicochemical variation, residue mobility, and thermodynamic stability) performed at Invitae indicates that this missense variant is expected to disrupt GLDC protein function. This variant has not been reported in the literature in individuals with GLDC-related conditions. This variant is not present in population databases (ExAC no frequency).

Literature cited by the submitters: PubMed 27362913.

NM_000170.3(GLDC):c.1847A>T (p.Asn616Ile)

Gene: GLDC (glycine decarboxylase; minus strand). Cytogenetic location: 9p24.1.
Variant type: single nucleotide variant.
Coding change: c.1847A>T on transcript NM_000170.3 (MANE Select); coding-DNA position 1847, A replaced by T.
Protein change: p.Asn616Ile; replaces asparagine 616 with isoleucine.
Molecular consequence: missense variant.
Genome position (GRCh38, 1-based): chr9:6,587,144, T>A on the plus strand (A>T on the coding strand, the complement: GLDC is on the minus strand). VCF-style: chr9-6587144-T-A. GRCh37 (hg19) VCF-style: chr9-6587144-T-A.
Other names: short protein forms N616I.
Identifiers: ClinVar variation 1066168 (VCV001066168.9), dbSNP rs1818287644, ClinGen allele CA372891106.